The following is an entry in ClinVar:

ClinVar aggregate classification (germline): Benign. Review status: criteria provided, single submitter (1 of 4 stars). 2 submissions from 2 submitters: Benign (1). 1 of the submissions does not count toward it. Last evaluated 2026-01-18.

Conditions:
FOCAD-related disorder. Also called: FOCAD-related condition.

Allele frequency attached by ClinVar (database versions not stated): ExAC 0.00047; TOPMed 0.00172; 1000 Genomes Project 30x 0.00187; 1000 Genomes Project 0.00240; gnomAD exomes 0.00020; gnomAD 0.00132; ESP Exome Variant Server 0.00154.
gnomAD v4.1: 520 of 1,612,678 alleles (0.032%); highest among the groups gnomAD compares: African/African-American, 0.46%; 2 homozygotes.

Submissions (2):

Labcorp Genetics (formerly Invitae), Labcorp
Classification: Benign. Last evaluated: 2026-01-18. Review status: criteria provided, single submitter. Criteria: Invitae Variant Classification Sherloc (09022015). Collection method: clinical testing. Allele origin: germline.

PreventionGenetics, part of Exact Sciences
Classification: Likely benign for FOCAD-related condition. Last evaluated: 2019-08-09. Review status: no assertion criteria provided. Collection method: clinical testing. Allele origin: germline. Not counted in ClinVar's aggregate classification.
Comment: This variant is classified as likely benign based on ACMG/AMP sequence variant interpretation guidelines (Richards et al. 2015 PMID: 25741868, with internal and published modifications).

NM_001375567.1(FOCAD):c.1725G>T (p.Val575=)

Gene: FOCAD (focadhesin; plus strand). Cytogenetic location: 9p21.3.
Variant type: single nucleotide variant.
Coding change: c.1725G>T on transcript NM_001375567.1 (MANE Select); coding-DNA position 1725, G replaced by T.
Protein change: p.Val575=; no amino-acid change (valine 575 retained).
Molecular consequence: synonymous variant.
Genome position (GRCh38, 1-based): chr9:20,821,003, G>T. VCF-style: chr9-20821003-G-T. GRCh37 (hg19) VCF-style: chr9-20821002-G-T.
Other names: c.1620G>T, p.Val540= (NM_001375568.1, NM_001375570.1); c.1725G>T, p.Val575= (NM_017794.5).
Identifiers: ClinVar variation 3050194 (VCV003050194.4), dbSNP rs76714249, ClinGen allele CA5006832.